The following is an entry in ClinVar:

NM_006044.4(HDAC6):c.318G>A (p.Pro106=)

Gene: HDAC6 (histone deacetylase 6; plus strand). Cytogenetic location: Xp11.23.
Variant type: single nucleotide variant.
Coding change: c.318G>A on transcript NM_006044.4 (MANE Select); coding-DNA position 318, G replaced by A.
Protein change: p.Pro106=; no amino-acid change (proline 106 retained).
Molecular consequence: synonymous variant. On other transcripts: non-coding transcript variant (3).
Genome position (GRCh38, 1-based): chrX:48,805,444, G>A. VCF-style: chrX-48805444-G-A. GRCh37 (hg19) VCF-style: chrX-48663851-G-A.
Other names: NC_000023.10:g.48663851G>A; c.360G>A, p.Pro120= (NM_001321225.2); c.318G>A, p.Pro106= (NM_001321226.2, NM_001321227.2, NM_001321228.2 and 3 more transcripts).
Identifiers: ClinVar variation 2660470 (VCV002660470.25), dbSNP rs2519379185, ClinGen allele CA516030891.
Genomic context (GRCh38, chrX:48,805,444, plus strand): 5'-TGTGGAGCTCCCCAGTGTCCTCATGCATCTGTGACTGTGACTCCATCTCCCCAGCTTCCC[G>A]GAAGGCCCTGAGCGGCTCCATGCCATCAAGGAGCAACTGATCCAGGAGGGCCTCCTAGAT-3'
Protein context (NP_006035.2, residues 96-116): EFHCLWDDSF[Pro106=]EGPERLHAIK

ClinVar aggregate classification (germline): Likely benign (1 of 4 stars; one submission).

Allele frequency attached by ClinVar (database versions not stated): gnomAD exomes below 0.00001.
gnomAD v4.1: 4 of 1,207,035 alleles (0.00033%); highest among the groups gnomAD compares: Middle Eastern, 0.023%; no homozygotes.

Submissions (2):

CeGaT Center for Human Genetics Tuebingen
Classification: Likely benign. Last evaluated: 2023-02-01. Review status: criteria provided, single submitter. Criteria: CeGaT Center For Human Genetics Tuebingen Variant Classification Criteria Version 2. Collection method: clinical testing. Allele origin: germline. Affected: yes. Observed: 1 variant allele.
Comment: HDAC6: PM2:Supporting, BP4, BP7

Dr. Peter K. Rogan Lab, Western University
No classification provided (evidence only). Condition: Thyroid cancer, nonmedullary, 1. Review status: no classification provided. Collection method: in vitro. Allele origin: not applicable. Functional consequence: retained intron. Not counted in ClinVar's aggregate classification.